The following is an entry in ClinVar:

ClinVar aggregate classification (germline): Uncertain significance (1 of 4 stars; one submission).

Submission:

Labcorp Genetics (formerly Invitae), Labcorp
Classification: Uncertain significance. Last evaluated: 2025-12-02. Review status: criteria provided, single submitter. Criteria: Invitae Variant Classification Sherloc (09022015). Collection method: clinical testing. Allele origin: germline.
Comment: This sequence change falls in intron 15 of the PDE6B gene. It does not directly change the encoded amino acid sequence of the PDE6B protein. This variant is not present in population databases (gnomAD no frequency). This variant has not been reported in the literature in individuals affected with PDE6B-related conditions. Algorithms developed to predict the effect of sequence changes on RNA splicing suggest that this variant may disrupt the consensus splice site. In summary, the available evidence is currently insufficient to determine the role of this variant in disease. Therefore, it has been classified as a Variant of Uncertain Significance.

NM_000283.4(PDE6B):c.1921-10A>G

Gene: PDE6B (phosphodiesterase 6B; plus strand). Cytogenetic location: 4p16.3.
Variant type: single nucleotide variant.
Coding change: c.1921-10A>G on transcript NM_000283.4 (MANE Select); 10 bases into the intron before coding-DNA position 1921, A replaced by G.
Molecular consequence: intron variant.
Genome position (GRCh38, 1-based): chr4:663,760, A>G. VCF-style: chr4-663760-A-G. GRCh37 (hg19) VCF-style: chr4-657549-A-G.
Other names: c.1921-10A>G (NM_001145291.2, NM_001440547.1, NM_001440548.1); c.1084-10A>G (NM_001379246.1, NM_001379247.1, NM_001145292.2 and 1 more transcripts); c.766-10A>G (NM_001350155.3).
Identifiers: ClinVar variation 4732360 (VCV004732360.1).